The following is an entry in ClinVar:

NM_001378778.1(MPDZ):c.3164T>C (p.Leu1055Ser)

Gene: MPDZ (multiple PDZ domain crumbs cell polarity complex component; minus strand). Cytogenetic location: 9p23.
Variant type: single nucleotide variant.
Coding change: c.3164T>C on transcript NM_001378778.1 (MANE Select); coding-DNA position 3164, T replaced by C.
Protein change: p.Leu1055Ser; replaces leucine 1055 with serine.
Molecular consequence: missense variant.
Genome position (GRCh38, 1-based): chr9:13,168,456, A>G on the plus strand (T>C on the coding strand, the complement: MPDZ is on the minus strand). VCF-style: chr9-13168456-A-G. GRCh37 (hg19) VCF-style: chr9-13168455-A-G.
Other names: c.3164T>C, p.Leu1055Ser (NM_001261406.2, NM_001261407.2, NM_001330637.2 and 14 more transcripts); short protein forms L1055S.
Identifiers: ClinVar variation 1515120 (VCV001515120.8), dbSNP rs1951365266, ClinGen allele CA372933602.

ClinVar aggregate classification (germline): Uncertain significance (1 of 4 stars; one submission).

gnomAD v4.1: 1 of 1,613,550 alleles (0.000062%); highest among the groups gnomAD compares: Non-Finnish European, 0.000085%; no homozygotes.

Submission:

Labcorp Genetics (formerly Invitae), Labcorp
Classification: Uncertain significance. Last evaluated: 2020-11-11. Review status: criteria provided, single submitter. Criteria: Invitae Variant Classification Sherloc (09022015). Collection method: clinical testing. Allele origin: germline.
Comment: In summary, the available evidence is currently insufficient to determine the role of this variant in disease. Therefore, it has been classified as a Variant of Uncertain Significance. Algorithms developed to predict the effect of missense changes on protein structure and function (SIFT, PolyPhen-2, Align-GVGD) all suggest that this variant is likely to be disruptive, but these predictions have not been confirmed by published functional studies and their clinical significance is uncertain. This variant has not been reported in the literature in individuals with MPDZ-related conditions. This variant is not present in population databases (ExAC no frequency). This sequence change replaces leucine with serine at codon 1055 of the MPDZ protein (p.Leu1055Ser). The leucine residue is highly conserved and there is a large physicochemical difference between leucine and serine.